The following is an entry in ClinVar:

NM_030777.4(SLC2A10):c.1048G>C (p.Asp350His)

Gene: SLC2A10 (solute carrier family 2 member 10; plus strand). Cytogenetic location: 20q13.12.
Variant type: single nucleotide variant.
Coding change: c.1048G>C on transcript NM_030777.4 (MANE Select); coding-DNA position 1048, G replaced by C.
Protein change: p.Asp350His; replaces aspartic acid 350 with histidine.
Molecular consequence: missense variant.
Genome position (GRCh38, 1-based): chr20:46,726,084, G>C. VCF-style: chr20-46726084-G-C. GRCh37 (hg19) VCF-style: chr20-45354723-G-C.
Other names: short protein forms D350H.
Identifiers: ClinVar variation 1776178 (VCV001776178.2), dbSNP rs572001041, ClinGen allele CA409268929.

ClinVar aggregate classification (germline): Uncertain significance (1 of 4 stars; one submission).

Conditions:
Familial thoracic aortic aneurysm and aortic dissection (TAAD). Also called: Thoracic aortic aneurysms and dissections. Identifiers: Orphanet 91387, MedGen C4707243, MONDO:0019625.

Submission:

Ambry Genetics
Classification: Uncertain significance for Familial thoracic aortic aneurysm and aortic dissection. Last evaluated: 2022-10-02. Review status: criteria provided, single submitter. Criteria: Ambry Variant Classification Scheme 2023. Collection method: clinical testing. Allele origin: germline.
Comment: The p.D350H variant (also known as c.1048G>C), located in coding exon 2 of the SLC2A10 gene, results from a G to C substitution at nucleotide position 1048. The aspartic acid at codon 350 is replaced by histidine, an amino acid with similar properties. This amino acid position is conserved. In addition, this alteration is predicted to be tolerated by in silico analysis. Since supporting evidence is limited at this time, the clinical significance of this alteration remains unclear.